The following is an entry in ClinVar:

ClinVar aggregate classification (germline): Uncertain significance. Review status: criteria provided, multiple submitters, no conflicts (2 of 4 stars). 4 submissions from 4 submitters: Uncertain significance (4). Last evaluated 2025-01-13.

Conditions:
Inborn genetic diseases. Identifiers: MedGen C0950123, MeSH D030342.

gnomAD v4.1: 38 of 1,613,744 alleles (0.0024%); highest among the groups gnomAD compares: South Asian, 0.024%; 3 homozygotes.

Submissions (4):

Labcorp Genetics (formerly Invitae), Labcorp
Classification: Uncertain significance. Last evaluated: 2025-01-13. Review status: criteria provided, single submitter. Criteria: Invitae Variant Classification Sherloc (09022015). Collection method: clinical testing. Allele origin: germline.
Comment: This sequence change replaces arginine, which is basic and polar, with histidine, which is basic and polar, at codon 343 of the HSPG2 protein (p.Arg343His). This variant is present in population databases (rs748189648, gnomAD 0.03%). This variant has not been reported in the literature in individuals affected with HSPG2-related conditions. ClinVar contains an entry for this variant (Variation ID: 1449864). An algorithm developed to predict the effect of missense changes on protein structure and function outputs the following: PolyPhen-2: "Benign". The histidine amino acid residue is found in multiple mammalian species, which suggests that this missense change does not adversely affect protein function. In summary, the available evidence is currently insufficient to determine the role of this variant in disease. Therefore, it has been classified as a Variant of Uncertain Significance.

GeneDx
Classification: Uncertain significance. Last evaluated: 2024-12-02. Review status: criteria provided, single submitter. Criteria: GeneDx Variant Classification Process June 2021. Collection method: clinical testing. Allele origin: germline. Affected: yes.
Comment: In silico analysis supports that this missense variant has a deleterious effect on protein structure/function; Has not been previously published as pathogenic or benign to our knowledge

Ambry Genetics
Classification: Uncertain significance for Inborn genetic diseases. Last evaluated: 2024-08-27. Review status: criteria provided, single submitter. Criteria: Ambry Variant Classification Scheme 2023. Collection method: clinical testing. Allele origin: germline.

Revvity Omics, Revvity
Classification: Uncertain significance. Last evaluated: 2022-05-02. Review status: criteria provided, single submitter. Criteria: ACMG Guidelines, 2015. Collection method: clinical testing. Allele origin: germline.

NM_005529.7(HSPG2):c.1028G>A (p.Arg343His)

Gene: HSPG2 (heparan sulfate proteoglycan 2; minus strand). Cytogenetic location: 1p36.12.
Variant type: single nucleotide variant.
Coding change: c.1028G>A on transcript NM_005529.7 (MANE Select); coding-DNA position 1028, G replaced by A.
Protein change: p.Arg343His; replaces arginine 343 with histidine.
Molecular consequence: missense variant.
Genome position (GRCh38, 1-based): chr1:21,887,265, C>T on the plus strand (G>A on the coding strand, the complement: HSPG2 is on the minus strand). VCF-style: chr1-21887265-C-T. GRCh37 (hg19) VCF-style: chr1-22213758-C-T.
Other names: c.1028G>A (NM_005529.5); c.1028G>A, p.Arg343His (NM_001291860.2); short protein forms R343H.
Identifiers: ClinVar variation 1449864 (VCV001449864.12), dbSNP rs748189648, ClinGen allele CA673609.